The following is an entry in ClinVar:

NM_001913.5(CUX1):c.1709G>A (p.Arg570Gln)

Gene: CUX1 (cut like homeobox 1; plus strand). Cytogenetic location: 7q22.1.
Variant type: single nucleotide variant.
Coding change: c.1709G>A on transcript NM_001913.5 (MANE Plus Clinical); coding-DNA position 1709, G replaced by A.
Protein change: p.Arg570Gln; replaces arginine 570 with glutamine.
Molecular consequence: missense variant.
Genome position (GRCh38, 1-based): chr7:102,280,065, G>A. VCF-style: chr7-102280065-G-A. GRCh37 (hg19) VCF-style: chr7-101923357-G-A.
Other names: c.1661G>A, p.Arg554Gln (NM_001202544.3); c.1571G>A, p.Arg524Gln (NM_001202545.3); c.1592G>A, p.Arg531Gln (NM_001202546.3); c.1703G>A, p.Arg568Gln (NM_181500.4); short protein forms R524Q, R531Q, R554Q, R568Q, R570Q.
Identifiers: ClinVar variation 2657884 (VCV002657884.22), dbSNP rs202149844, ClinGen allele CA4411767.

ClinVar aggregate classification (germline): Likely benign (1 of 4 stars; one submission).

Allele frequency attached by ClinVar (database versions not stated): TOPMed 0.00005; gnomAD exomes 0.00010; 1000 Genomes Project 0.00040; ESP Exome Variant Server 0.00008; gnomAD 0.00008; ExAC 0.00009; 1000 Genomes Project 30x 0.00031.
gnomAD v4.1: 154 of 1,610,580 alleles (0.0096%); highest among the groups gnomAD compares: Admixed American, 0.022%; no homozygotes.

Submission:

CeGaT Center for Human Genetics Tuebingen
Classification: Likely benign. Last evaluated: 2026-07-01. Review status: criteria provided, single submitter. Criteria: CeGaT Center For Human Genetics Tuebingen Variant Classification Criteria Version 2. Collection method: clinical testing. Allele origin: germline. Affected: yes. Observed: 2 variant alleles.
Comment: CUX1: BP4, BS2